The following is an entry in ClinVar:

ClinVar aggregate classification (germline): Uncertain significance (1 of 4 stars; one submission).

Conditions:
Fanconi anemia complementation group O. Also called: RAD51C-Related Fanconi Anemia. Identifiers: Orphanet 84, MedGen C3150653, MONDO:0013248, OMIM 613390.

Submission:

Labcorp Genetics (formerly Invitae), Labcorp
Classification: Uncertain significance for Fanconi anemia complementation group O. Last evaluated: 2023-12-06. Review status: criteria provided, single submitter. Criteria: Invitae Variant Classification Sherloc (09022015). Collection method: clinical testing. Allele origin: germline.
Comment: This sequence change replaces glutamic acid, which is acidic and polar, with aspartic acid, which is acidic and polar, at codon 56 of the RAD51C protein (p.Glu56Asp). This variant is not present in population databases (gnomAD no frequency). This variant has not been reported in the literature in individuals affected with RAD51C-related conditions. ClinVar contains an entry for this variant (Variation ID: 2009022). Advanced modeling of protein sequence and biophysical properties (such as structural, functional, and spatial information, amino acid conservation, physicochemical variation, residue mobility, and thermodynamic stability) performed at Invitae indicates that this missense variant is not expected to disrupt RAD51C protein function with a negative predictive value of 80%. In summary, the available evidence is currently insufficient to determine the role of this variant in disease. Therefore, it has been classified as a Variant of Uncertain Significance.

NM_058216.3(RAD51C):c.168A>T (p.Glu56Asp)

Gene: RAD51C (RAD51 paralog C; plus strand). Cytogenetic location: 17q22.
Variant type: single nucleotide variant.
Coding change: c.168A>T on transcript NM_058216.3 (MANE Select); coding-DNA position 168, A replaced by T.
Protein change: p.Glu56Asp; replaces glutamic acid 56 with aspartic acid.
Molecular consequence: missense variant. On other transcripts: non-coding transcript variant (2).
Genome position (GRCh38, 1-based): chr17:58,694,953, A>T. VCF-style: chr17-58694953-A-T. GRCh37 (hg19) VCF-style: chr17-56772314-A-T.
Other names: c.168A>T, p.Glu56Asp (NM_058217.1, NM_002876.4); short protein forms E56D.
Identifiers: ClinVar variation 2009022 (VCV002009022.4), dbSNP rs2143717964, ClinGen allele CA400339680.
Genomic context (GRCh38, chr17:58,694,953, plus strand): 5'-CTAAAATTAGGGTTCTTTTTTTCTTATTTTACTTTCAGAAGTTGGGATATCTAAAGCAGA[A>T]GCCTTAGAAACTCTGCAAATTATCAGAAGAGAATGTCTCACAAATAAACCAAGATATGCT-3'
Protein context (NP_478123.1, residues 46-66): LSKEVGISKA[Glu56Asp]ALETLQIIRR